The following is an entry in ClinVar:

ClinVar aggregate classification (germline): Uncertain significance (1 of 4 stars; one submission).

Conditions:
Early-infantile DEE. Also called: Early infantile epileptic encephalopathy; Ohtahara syndrome; Early infantile epileptic encephalopathy with suppression bursts. Identifiers: Orphanet 1934, MedGen C0393706, MONDO:0800491.

Submission:

Labcorp Genetics (formerly Invitae), Labcorp
Classification: Uncertain significance for Early-infantile DEE. Last evaluated: 2025-01-30. Review status: criteria provided, single submitter. Criteria: Invitae Variant Classification Sherloc (09022015). Collection method: clinical testing. Allele origin: germline.
Comment: This sequence change replaces isoleucine, which is neutral and non-polar, with threonine, which is neutral and polar, at codon 180 of the KCNQ2 protein (p.Ile180Thr). This variant is not present in population databases (gnomAD no frequency). This variant has not been reported in the literature in individuals affected with KCNQ2-related conditions. Invitae Evidence Modeling of protein sequence and biophysical properties (such as structural, functional, and spatial information, amino acid conservation, physicochemical variation, residue mobility, and thermodynamic stability) indicates that this missense variant is expected to disrupt KCNQ2 protein function with a positive predictive value of 95%. In summary, the available evidence is currently insufficient to determine the role of this variant in disease. Therefore, it has been classified as a Variant of Uncertain Significance.

NM_172107.4(KCNQ2):c.539T>C (p.Ile180Thr)

Gene: KCNQ2 (potassium voltage-gated channel subfamily Q member 2; minus strand). Cytogenetic location: 20q13.33.
Variant type: single nucleotide variant.
Coding change: c.539T>C on transcript NM_172107.4 (MANE Select); coding-DNA position 539, T replaced by C.
Protein change: p.Ile180Thr; replaces isoleucine 180 with threonine.
Molecular consequence: missense variant.
Genome position (GRCh38, 1-based): chr20:63,444,810, A>G on the plus strand (T>C on the coding strand, the complement: KCNQ2 is on the minus strand). VCF-style: chr20-63444810-A-G. GRCh37 (hg19) VCF-style: chr20-62076163-A-G.
Other names: c.539T>C, p.Ile180Thr (NM_001382235.1, NM_004518.6, NM_172106.3 and 2 more transcripts); short protein forms I180T.
Identifiers: ClinVar variation 3637739 (VCV003637739.2).
Genomic context (GRCh38, chr20:63,444,810, plus strand): 5'-AGGCTCCGGAGCGCAGATGTGGCAAAGACGTTGCCCTGGGAGCCGGCGGCCAGCACCGCA[A>G]TGGAGGCGATGAGCACCATGATGTCTACAAAGCGGGCGTGGAGCTGGTGAGCTGCTGGGC-3'
Protein context (NP_742105.1, residues 170-190): VIDIMVLIAS[Ile180Thr]AVLAAGSQGN